The following is an entry in ClinVar:

ClinVar aggregate classification (germline): Uncertain significance (1 of 4 stars; one submission).

Allele frequency attached by ClinVar (database versions not stated): gnomAD exomes below 0.00001.
gnomAD v4.1: 3 of 1,613,584 alleles (0.00019%); highest among the groups gnomAD compares: Non-Finnish European, 0.00017%; no homozygotes.

Submission:

Labcorp Genetics (formerly Invitae), Labcorp
Classification: Uncertain significance. Last evaluated: 2022-05-06. Review status: criteria provided, single submitter. Criteria: Invitae Variant Classification Sherloc (09022015). Collection method: clinical testing. Allele origin: germline.
Comment: This sequence change replaces asparagine, which is neutral and polar, with serine, which is neutral and polar, at codon 964 of the DNA2 protein (p.Asn964Ser). This variant is not present in population databases (gnomAD no frequency). This variant has not been reported in the literature in individuals affected with DNA2-related conditions. Algorithms developed to predict the effect of missense changes on protein structure and function are either unavailable or do not agree on the potential impact of this missense change (SIFT: "Tolerated"; PolyPhen-2: "Not Available"; Align-GVGD: "Class C0"). Algorithms developed to predict the effect of sequence changes on RNA splicing suggest that this variant may disrupt the consensus splice site. In summary, the available evidence is currently insufficient to determine the role of this variant in disease. Therefore, it has been classified as a Variant of Uncertain Significance.

NM_001080449.3(DNA2):c.2891A>G (p.Asn964Ser)

Gene: DNA2 (DNA replication helicase/nuclease 2; minus strand). Cytogenetic location: 10q21.3.
Variant type: single nucleotide variant.
Coding change: c.2891A>G on transcript NM_001080449.3 (MANE Select); coding-DNA position 2891, A replaced by G.
Protein change: p.Asn964Ser; replaces asparagine 964 with serine.
Molecular consequence: missense variant. On other transcripts: non-coding transcript variant (1).
Genome position (GRCh38, 1-based): chr10:68,419,110, T>C on the plus strand (A>G on the coding strand, the complement: DNA2 is on the minus strand). VCF-style: chr10-68419110-T-C. GRCh37 (hg19) VCF-style: chr10-70178867-T-C.
Other names: short protein forms N964S.
Identifiers: ClinVar variation 1946200 (VCV001946200.5), dbSNP rs2051632387, ClinGen allele CA376841382.